The following is an entry in ClinVar:

NM_001283009.2(RTEL1):c.1246G>T (p.Gly416Trp)

Genes: RTEL1 (regulator of telomere elongation helicase 1; plus strand), RTEL1-TNFRSF6B (RTEL1-TNFRSF6B readthrough (NMD candidate); plus strand). Cytogenetic location: 20q13.33.
Variant type: single nucleotide variant.
Coding change: c.1246G>T on transcript NM_001283009.2 (MANE Select); coding-DNA position 1246, G replaced by T.
Protein change: p.Gly416Trp; replaces glycine 416 with tryptophan.
Molecular consequence: missense variant. On other transcripts: non-coding transcript variant (1).
Genome position (GRCh38, 1-based): chr20:63,685,577, G>T. VCF-style: chr20-63685577-G-T. GRCh37 (hg19) VCF-style: chr20-62316930-G-T.
Other names: c.577G>T, p.Gly193Trp (NM_001283010.1); c.1246G>T, p.Gly416Trp (NM_016434.4); c.1318G>T, p.Gly440Trp (NM_032957.5); short protein forms G193W, G440W, G416W.
Identifiers: ClinVar variation 4157586 (VCV004157586.1).

ClinVar aggregate classification (germline): Uncertain significance (1 of 4 stars; one submission).

Conditions:
Inborn genetic diseases. Identifiers: MedGen C0950123, MeSH D030342.

Submission:

Ambry Genetics
Classification: Uncertain significance for Inborn genetic diseases. Last evaluated: 2025-07-03. Review status: criteria provided, single submitter. Criteria: Ambry Variant Classification Scheme 2023. Collection method: clinical testing. Allele origin: germline.
Comment: The p.G416W variant (also known as c.1246G>T), located in coding exon 14 of the RTEL1 gene, results from a G to T substitution at nucleotide position 1246. The glycine at codon 416 is replaced by tryptophan, an amino acid with highly dissimilar properties. This amino acid position is conserved. In addition, the in silico prediction for this alteration is inconclusive. Based on the available evidence, the clinical significance of this variant remains unclear.